The following is an entry in ClinVar:

NM_000541.5(SAG):c.874C>T (p.Arg292Ter)

Gene: SAG (S-antigen visual arrestin; plus strand). Cytogenetic location: 2q37.1.
Variant type: single nucleotide variant.
Coding change: c.874C>T on transcript NM_000541.5 (MANE Select); coding-DNA position 874, C replaced by T.
Protein change: p.Arg292Ter; replaces arginine 292 with a stop codon.
Molecular consequence: nonsense.
Genome position (GRCh38, 1-based): chr2:233,335,029, C>T. VCF-style: chr2-233335029-C-T. GRCh37 (hg19) VCF-style: chr2-234243675-C-T.
Other names: c.[874C>T] (NM_000541.4); c.874C>T (NM_000541.4); short protein forms R292*.
Identifiers: ClinVar variation 41897 (VCV000041897.21), dbSNP rs397514681, ClinGen allele CA130897.

ClinVar aggregate classification (germline): Pathogenic. Review status: criteria provided, multiple submitters, no conflicts (2 of 4 stars). 9 submissions from 9 submitters: Pathogenic (8). 1 of the submissions does not count toward it. Last evaluated 2026-05-13.

Conditions:
Oguchi disease-1. Also called: Congenital stationary night blindness Oguchi type 1. Identifiers: MedGen C4551824, MONDO:0009775, OMIM 258100.
SAG-related disorder. Also called: SAG-related disorders; SAG-related condition.
Oguchi disease. Also called: Oguchi's disease. Identifiers: Orphanet 75382, MedGen C1306122, MONDO:0019152.
Retinal disorder. Also called: Retinopathy; Retinopathies; Retinal Diseases; Retinal disorders. Identifiers: MedGen C0035309, MONDO:0005283, HP:0000488.

gnomAD v4.1: 49 of 1,613,874 alleles (0.003%); highest among the groups gnomAD compares: South Asian, 0.045%; 1 homozygote.

Submissions (9):

PreventionGenetics, part of Exact Sciences
Classification: Pathogenic for SAG-related condition. Last evaluated: 2026-05-13. Review status: criteria provided, single submitter. Criteria: ACMG Guidelines, 2015. Collection method: clinical testing. Allele origin: germline.
Comment: The SAG c.874C>T variant is predicted to result in premature protein termination (p.Arg292*). This variant has been reported in the homozygous state individuals with autosomal recessive Oguchi disease or retinitis pigmentosa (see for example: Nakamura et al. 2004. PubMed ID: 15234147; O'Sullivan et al. 2012. PubMed ID: 22581970; Table S1, Abu Elasal et al. 2024. PubMed ID: 39062705). This variant is reported in 0.036% of alleles in individuals of South Asian descent in gnomAD. Nonsense variants in SAG are expected to be pathogenic. This variant is interpreted as pathogenic.

Genetics Laboratory, Great Ormond Street Hospital NHS Foundation Trust, North Thames Genomic Laboratory Hub
Classification: Pathogenic for Retinal disorders. Last evaluated: 2026-01-28. Review status: criteria provided, single submitter. Criteria: ACGS Best Practice Guidelines for Variant Classification in Rare Disease 2024 v1.2. Collection method: clinical testing. Allele origin: germline. Affected: yes.
Comment: PM2_moderate, PVS1_very-strong, PM3_moderate

Labcorp Genetics (formerly Invitae), Labcorp
Classification: Pathogenic. Last evaluated: 2025-12-31. Review status: criteria provided, single submitter. Criteria: Invitae Variant Classification Sherloc (09022015). Collection method: clinical testing. Allele origin: germline.
Comment: This sequence change creates a premature translational stop signal (p.Arg292*) in the SAG gene. It is expected to result in an absent or disrupted protein product. Loss-of-function variants in SAG are known to be pathogenic (PMID: 9452120, 15234147, 22665972). This variant is present in population databases (rs397514681, gnomAD 0.04%). This premature translational stop signal has been observed in individuals with autosomal recessive retinitis pigmentosa and Oguchi disease (PMID: 15234147, 22581970). ClinVar contains an entry for this variant (Variation ID: 41897). For these reasons, this variant has been classified as Pathogenic.

3billion
Classification: Pathogenic for Oguchi disease-1. Last evaluated: 2024-10-15. Review status: criteria provided, single submitter. Criteria: ACMG Guidelines, 2015. Collection method: clinical testing. Allele origin: germline. Affected: yes.
Comment: The variant is observed at an extremely low frequency in the gnomAD v4.1.0 dataset (total allele frequency: 0.003%). Predicted Consequence/Location: Stop-gained (nonsense): predicted to result in a loss or disruption of normal protein function through nonsense-mediated decay (NMD) or protein truncation. Multiple pathogenic variants are reported downstream of the variant. The variant has been reported at least twice as pathogenic with clinical assertions and evidence for the classification (ClinVar ID: VCV000041897 /PMID: 15234147 /3billion dataset). Therefore, this variant is classified as Pathogenic according to the recommendation of ACMG/AMP guideline.

Blueprint Genetics
Classification: Pathogenic for SAG-related disorders. Last evaluated: 2024-08-12. Review status: criteria provided, single submitter. Criteria: ACMG Guidelines, 2015. Collection method: clinical testing. Allele origin: de novo. Affected: yes. Observed: 5 variant alleles.

Greenwood Genetic Center Diagnostic Laboratories, Greenwood Genetic Center
Classification: Pathogenic for SAG-related disorder. Last evaluated: 2024-03-22. Review status: criteria provided, single submitter. Criteria: ACMG Guidelines, 2015. Collection method: clinical testing. Allele origin: germline. Affected: yes.
Comment: PVS1, PM2, PM3

Revvity Omics, Revvity
Classification: Pathogenic. Last evaluated: 2021-07-14. Review status: criteria provided, single submitter. Criteria: ACMG Guidelines, 2015. Collection method: clinical testing. Allele origin: germline.

Neuberg Centre For Genomic Medicine, NCGM
Classification: Pathogenic for Oguchi disease-1. Review status: criteria provided, single submitter. Criteria: ACMG Guidelines, 2015. Collection method: clinical testing. Allele origin: germline. Affected: yes.
Comment: The stop gained p.R292* in SAG (NM_000541.4) has been reported previously in affected (Nakamura M et al). It has been submitted to ClinVar as Pathogenic based on the same publication. The p.R292* variant is observed in 11/30,600 (0.0359%) alleles from individuals of South Asian background in gnomAD Exomes and is novel (not in any individuals) in 1000 Genomes. This variant is predicted to cause loss of normal protein function through protein truncation. For these reasons, this variant has been classified as Pathogenic.

OMIM
Classification: Pathogenic for OGUCHI DISEASE 1. Last evaluated: 2004-07-01. Review status: no assertion criteria provided. Collection method: literature only. Allele origin: germline. Not counted in ClinVar's aggregate classification.

Literature cited by the submitters: PubMed 9452120 (cited by Labcorp Genetics (formerly Invitae), Labcorp); PubMed 15234147 (cited by 3 submitters); PubMed 22665972 (cited by Labcorp Genetics (formerly Invitae), Labcorp); PubMed 22581970 (cited by Labcorp Genetics (formerly Invitae), Labcorp).